The following is an entry in ClinVar:

NM_015450.3(POT1):c.1219A>G (p.Lys407Glu)

Gene: POT1 (protection of telomeres 1; minus strand). Cytogenetic location: 7q31.33.
Variant type: single nucleotide variant.
Coding change: c.1219A>G on transcript NM_015450.3 (MANE Select); coding-DNA position 1219, A replaced by G.
Protein change: p.Lys407Glu; replaces lysine 407 with glutamic acid.
Molecular consequence: missense variant. On other transcripts: non-coding transcript variant (3).
Genome position (GRCh38, 1-based): chr7:124,841,123, T>C on the plus strand (A>G on the coding strand, the complement: POT1 is on the minus strand). VCF-style: chr7-124841123-T-C. GRCh37 (hg19) VCF-style: chr7-124481177-T-C.
Other names: c.1219A>G (NM_015450.2); c.826A>G, p.Lys276Glu (NM_001042594.2); short protein forms K407E, K276E.
Identifiers: ClinVar variation 1356860 (VCV001356860.9), dbSNP rs766397437, ClinGen allele CA4465184.
Genomic context (GRCh38, chr7:124,841,123, plus strand): 5'-TAGTGGTCCAGATTTTTGAATCATATAATGATGTATTTTGTAGCTTGACATCTGGGGTTT[T>C]AGTTGCACCATCCTGAAAAATTATATCCAAATCGCCCTCATGTGGAACTTCTTGCCTAAA-3'
Protein context (NP_056265.2, residues 397-417): LDIIFQDGAT[Lys407Glu]TPDVKLQNTS

ClinVar aggregate classification (germline): Uncertain significance. Review status: criteria provided, multiple submitters, no conflicts (2 of 4 stars). 3 submissions from 3 submitters: Uncertain significance (3). Last evaluated 2025-12-15.

Conditions:
Tumor predisposition syndrome 3 (TPDS3). Also called: Melanoma, cutaneous malignant, susceptibility to, 10; Glioma susceptibility 9; LONG TELOMERE SYNDROME, POT1-RELATED; POT1 Tumor Predisposition. Identifiers: Orphanet 618, MedGen C4014476, MONDO:0014368, OMIM 615848.
Hereditary cancer-predisposing syndrome. Also called: Neoplastic Syndromes, Hereditary; Tumor predisposition; Hereditary Cancer Syndrome; Hereditary neoplastic syndrome. Identifiers: Orphanet 140162, MedGen C0027672, MeSH D009386, MONDO:0015356.
Cerebroretinal microangiopathy with calcifications and cysts 3 (CRMCC3). Identifiers: MedGen C5830497, MONDO:0957264, OMIM 620368.
Pulmonary fibrosis and/or bone marrow failure syndrome, telomere-related, 8 (PFBMFT8). Identifiers: MedGen C5830496, MONDO:0957263, OMIM 620367.

Allele frequency attached by ClinVar (database versions not stated): ExAC 0.00001.

Submissions (3):

Labcorp Genetics (formerly Invitae), Labcorp
Classification: Uncertain significance for Tumor predisposition syndrome 3. Last evaluated: 2025-12-15. Review status: criteria provided, single submitter. Criteria: Invitae Variant Classification Sherloc (09022015). Collection method: clinical testing. Allele origin: germline.
Comment: This sequence change replaces lysine, which is basic and polar, with glutamic acid, which is acidic and polar, at codon 407 of the POT1 protein (p.Lys407Glu). This variant is not present in population databases (gnomAD no frequency). This variant has not been reported in the literature in individuals affected with POT1-related conditions. ClinVar contains an entry for this variant (Variation ID: 1356860). Invitae Evidence Modeling of protein sequence and biophysical properties (such as structural, functional, and spatial information, amino acid conservation, physicochemical variation, residue mobility, and thermodynamic stability) indicates that this missense variant is not expected to disrupt POT1 protein function with a negative predictive value of 80%. In summary, the available evidence is currently insufficient to determine the role of this variant in disease. Therefore, it has been classified as a Variant of Uncertain Significance.

Ambry Genetics
Classification: Uncertain significance for Hereditary cancer-predisposing syndrome. Last evaluated: 2025-05-21. Review status: criteria provided, single submitter. Criteria: Ambry Variant Classification Scheme 2023. Collection method: clinical testing. Allele origin: germline.
Comment: The p.K407E variant (also known as c.1219A>G), located in coding exon 10 of the POT1 gene, results from an A to G substitution at nucleotide position 1219. The lysine at codon 407 is replaced by glutamic acid, an amino acid with similar properties. This amino acid position is conserved. In addition, this alteration is predicted to be tolerated by in silico analysis. Since supporting evidence is limited at this time, the clinical significance of this alteration remains unclear.

Fulgent Genetics
Classification: Uncertain significance for Tumor predisposition syndrome 3; Pulmonary fibrosis and/or bone marrow failure syndrome, telomere-related, 8; Cerebroretinal microangiopathy with calcifications and cysts 3. Last evaluated: 2024-02-26. Review status: criteria provided, single submitter. Criteria: ACMG Guidelines, 2015. Collection method: clinical testing. Allele origin: germline.